The following is an entry in ClinVar:

NM_004958.4(MTOR):c.2908A>G (p.Met970Val)

Gene: MTOR (mechanistic target of rapamycin kinase; minus strand). Cytogenetic location: 1p36.22.
Variant type: single nucleotide variant.
Coding change: c.2908A>G on transcript NM_004958.4 (MANE Select); coding-DNA position 2908, A replaced by G.
Protein change: p.Met970Val; replaces methionine 970 with valine.
Molecular consequence: missense variant.
Genome position (GRCh38, 1-based): chr1:11,228,790, T>C on the plus strand (A>G on the coding strand, the complement: MTOR is on the minus strand). VCF-style: chr1-11228790-T-C. GRCh37 (hg19) VCF-style: chr1-11288847-T-C.
Other names: short protein forms M970V.
Identifiers: ClinVar variation 945748 (VCV000945748.12), dbSNP rs1349280110, ClinGen allele CA338379201.

ClinVar aggregate classification (germline): Uncertain significance. Review status: criteria provided, multiple submitters, no conflicts (2 of 4 stars). 3 submissions from 3 submitters: Uncertain significance (3). Last evaluated 2025-11-18.

Conditions:
Inborn genetic diseases. Identifiers: MedGen C0950123, MeSH D030342.

Allele frequency attached by ClinVar (database versions not stated): gnomAD exomes below 0.00001; TOPMed 0.00001; gnomAD 0.00002.
gnomAD v4.1: 8 of 1,613,950 alleles (0.0005%); highest among the groups gnomAD compares: African/African-American, 0.004%; no homozygotes.

Submissions (3):

Dasa
Classification: Uncertain significance. Last evaluated: 2025-11-18. Review status: criteria provided, single submitter. Criteria: DASA Assertion Criteria. Collection method: clinical testing. Allele origin: germline.
Comment: NM_004958.4(MTOR):c.2908A>G (p.Met970Val) is a missense variant that results in the substitution of methionine with valine. This variant is rare in population databases. The currently available literature and clinical evidence are not sufficient to establish a definitive association between this variant and the reported condition. Therefore, this variant is classified as a variant of uncertain significance.

Ambry Genetics
Classification: Uncertain significance for Inborn genetic diseases. Last evaluated: 2025-03-24. Review status: criteria provided, single submitter. Criteria: Ambry Variant Classification Scheme 2023. Collection method: clinical testing. Allele origin: germline.

Labcorp Genetics (formerly Invitae), Labcorp
Classification: Uncertain significance. Last evaluated: 2024-08-22. Review status: criteria provided, single submitter. Criteria: Invitae Variant Classification Sherloc (09022015). Collection method: clinical testing. Allele origin: germline.
Comment: This sequence change replaces methionine, which is neutral and non-polar, with valine, which is neutral and non-polar, at codon 970 of the MTOR protein (p.Met970Val). The frequency data for this variant in the population databases is considered unreliable, as metrics indicate poor data quality at this position in the gnomAD database. This variant has not been reported in the literature in individuals affected with MTOR-related conditions. ClinVar contains an entry for this variant (Variation ID: 945748). Invitae Evidence Modeling of protein sequence and biophysical properties (such as structural, functional, and spatial information, amino acid conservation, physicochemical variation, residue mobility, and thermodynamic stability) indicates that this missense variant is not expected to disrupt MTOR protein function with a negative predictive value of 95%. In summary, the available evidence is currently insufficient to determine the role of this variant in disease. Therefore, it has been classified as a Variant of Uncertain Significance.